The following is an entry in ClinVar:

ClinVar aggregate classification (germline): Likely benign. Review status: criteria provided, single submitter (1 of 4 stars). 2 submissions from 2 submitters: Likely benign (1). 1 of the submissions does not count toward it. Last evaluated 2019-12-31.

Conditions:
NRP2-related disorder. Also called: NRP2-related condition.

Allele frequency attached by ClinVar (database versions not stated): gnomAD exomes 0.00021; ExAC 0.00030; ESP Exome Variant Server 0.00062; gnomAD 0.00075 and 0.00078; TOPMed 0.00101; 1000 Genomes Project 30x 0.00125; 1000 Genomes Project 0.00160.
gnomAD v4.1: 279 of 1,614,188 alleles (0.017%); highest among the groups gnomAD compares: African/African-American, 0.26%; no homozygotes.

Submissions (2):

Labcorp Genetics (formerly Invitae), Labcorp
Classification: Likely benign. Last evaluated: 2019-12-31. Review status: criteria provided, single submitter. Criteria: Invitae Variant Classification Sherloc (09022015). Collection method: clinical testing. Allele origin: germline.

PreventionGenetics, part of Exact Sciences
Classification: Likely benign for NRP2-related condition. Last evaluated: 2022-02-14. Review status: no assertion criteria provided. Collection method: clinical testing. Allele origin: germline. Not counted in ClinVar's aggregate classification.
Comment: This variant is classified as likely benign based on ACMG/AMP sequence variant interpretation guidelines (Richards et al. 2015 PMID: 25741868, with internal and published modifications).

NM_003872.3(NRP2):c.1831G>A (p.Glu611Lys)

Gene: NRP2 (neuropilin 2; plus strand). Cytogenetic location: 2q33.3.
Variant type: single nucleotide variant.
Coding change: c.1831G>A on transcript NM_003872.3 (MANE Select); coding-DNA position 1831, G replaced by A.
Protein change: p.Glu611Lys; replaces glutamic acid 611 with lysine.
Molecular consequence: missense variant.
Genome position (GRCh38, 1-based): chr2:205,749,769, G>A. VCF-style: chr2-205749769-G-A. GRCh37 (hg19) VCF-style: chr2-206614493-G-A.
Other names: c.1831G>A, p.Glu611Lys (NM_018534.4, NM_201266.2, NM_201267.2 and 1 more transcripts); short protein forms E611K.
Identifiers: ClinVar variation 738629 (VCV000738629.6), dbSNP rs114848039, ClinGen allele CA2069234.